The following is an entry in ClinVar:

ClinVar aggregate classification (germline): Uncertain significance (1 of 4 stars; one submission).

Submission:

Ambry Genetics
Classification: Uncertain significance. Last evaluated: 2024-04-05. Review status: criteria provided, single submitter. Criteria: Ambry Variant Classification Scheme 2023. Collection method: clinical testing. Allele origin: germline.
Comment: The p.H72Q variant (also known as c.216C>G), located in coding exon 1 of the EGLN1 gene, results from a C to G substitution at nucleotide position 216. The histidine at codon 72 is replaced by glutamine, an amino acid with highly similar properties. This amino acid position is conserved. In addition, this alteration is predicted to be tolerated by in silico analysis. Based on the available evidence, the clinical significance of this variant remains unclear.

NM_022051.3(EGLN1):c.216C>G (p.His72Gln)

Gene: EGLN1 (egl-9 family hypoxia inducible factor 1; minus strand). Cytogenetic location: 1q42.2.
Variant type: single nucleotide variant.
Coding change: c.216C>G on transcript NM_022051.3 (MANE Select); coding-DNA position 216, C replaced by G.
Protein change: p.His72Gln; replaces histidine 72 with glutamine.
Molecular consequence: missense variant.
Genome position (GRCh38, 1-based): chr1:231,421,673, G>C on the plus strand (C>G on the coding strand, the complement: EGLN1 is on the minus strand). VCF-style: chr1-231421673-G-C. GRCh37 (hg19) VCF-style: chr1-231557419-G-C.
Other names: c.216C>G, p.His72Gln (NM_001377260.1, NM_001377261.1); short protein forms H72Q.
Identifiers: ClinVar variation 3274780 (VCV003274780.1).